The following is an entry in ClinVar:

ClinVar aggregate classification (germline): Likely benign. Review status: criteria provided, multiple submitters, no conflicts (2 of 4 stars). 2 submissions from 2 submitters: Likely benign (2). Last evaluated 2025-12-19.

Conditions:
Gorlin syndrome. Also called: Nevoid Basal Cell Carcinoma Syndrome; Basal cell nevus syndrome. Identifiers: Orphanet 377, MedGen C0004779, MONDO:0007187.
PTCH1-related disorder. Also called: PTCH1-related disorders; PTCH1-related condition.

Allele frequency attached by ClinVar (database versions not stated): gnomAD 0.00001; gnomAD exomes 0.00001; TOPMed 0.00001; ExAC 0.00002; ESP Exome Variant Server 0.00015.
gnomAD v4.1: 14 of 1,613,906 alleles (0.00087%); highest among the groups gnomAD compares: African/African-American, 0.0013%; no homozygotes.

Submissions (2):

PreventionGenetics, part of Exact Sciences
Classification: Likely benign for PTCH1-related condition. Last evaluated: 2025-12-19. Review status: criteria provided, single submitter. Criteria: ACMG Guidelines, 2015. Collection method: clinical testing. Allele origin: germline.
Comment: This variant is classified as likely benign based on ACMG/AMP sequence variant interpretation guidelines (Richards et al. 2015 PMID: 25741868, with internal and published modifications).

Labcorp Genetics (formerly Invitae), Labcorp
Classification: Likely benign for Gorlin syndrome. Last evaluated: 2025-08-13. Review status: criteria provided, single submitter. Criteria: Invitae Variant Classification Sherloc (09022015). Collection method: clinical testing. Allele origin: germline.

NM_000264.5(PTCH1):c.3449+7A>T

Gene: PTCH1 (patched 1; minus strand). Cytogenetic location: 9q22.32.
Variant type: single nucleotide variant.
Coding change: c.3449+7A>T on transcript NM_000264.5 (MANE Select); 7 bases into the intron after coding-DNA position 3449, A replaced by T.
Molecular consequence: intron variant.
Genome position (GRCh38, 1-based): chr9:95,453,471, T>A on the plus strand (A>T on the coding strand, the complement: PTCH1 is on the minus strand). VCF-style: chr9-95453471-T-A. GRCh37 (hg19) VCF-style: chr9-98215753-T-A.
Other names: c.3446+7A>T (NM_001083603.3); c.3251+7A>T (NM_001083602.3); c.3293+7A>T (NM_001354918.2); c.2996+7A>T (NM_001083605.3, NM_001083604.3, NM_001083606.3 and 1 more transcripts).
Identifiers: ClinVar variation 215699 (VCV000215699.13), dbSNP rs374907800, ClinGen allele CA335805.
Genomic context (GRCh38, chr9:95,453,471, plus strand): 5'-TGAGCCACTGCACCCGGCCCAATCACAATGATTTCTAAAACATGTCTCCTTGCACACGCC[T>A]GCTTACCTGACAATGAAGTCGAACTCAGATCCCGCCAGCATCAGCACTCCCAGCAGAGTG-3'